The following is an entry in ClinVar:

NM_000059.4(BRCA2):c.4284dup (p.Gln1429fs)

Gene: BRCA2 (BRCA2 DNA repair associated; plus strand). Cytogenetic location: 13q13.1.
Variant type: Duplication.
Coding change: c.4284dup on transcript NM_000059.4 (MANE Select); coding-DNA position 4284, one base duplicated (T; older notation c.4284dupT).
Protein change: p.Gln1429fs; shifts the reading frame from glutamine 1429.
Genome position (GRCh38, 1-based): chr13:32,338,639, T duplicated; the last of 6 consecutive T bases (chr13:32,338,634-32,338,639); duplicating any one gives the same sequence. VCF-style (leftmost placement, unchanged base first): chr13-32338633-A-AT. GRCh37 (hg19) VCF-style: chr13-32912770-A-AT.
Other names: 4510insT; p.Gln1429SerfsX9; 4512insT; c.4279dupT (NM_000059.3); c.4284dupT (NM_000059.3); short protein forms Q1429fs.
Identifiers: ClinVar variation 37892 (VCV000037892.135), dbSNP rs80359439, ClinGen allele CA019907.

ClinVar aggregate classification (germline): Pathogenic. Review status: reviewed by expert panel (3 of 4 stars). 41 submissions from 40 submitters: Pathogenic (1). 40 of the submissions do not count toward it. Last evaluated 2016-09-08.

Conditions:
Inherited prostate cancer.
BRCA2-related cancer predisposition. Identifiers: MedGen CN377758, MONDO:0700269.
Gastric cancer. Also called: Malignant tumor of stomach; Stomach cancer. Identifiers: MedGen C0024623, MeSH D013274, MONDO:0001056, OMIM 613659, HP:0012126.
Inherited ovarian cancer (without breast cancer).
BRCA2-related disorder. Also called: BRCA2-related condition; BRCA2-related disorders. Identifiers: MedGen CN239275.
Breast and/or ovarian cancer. Identifiers: MedGen CN221562.
Fanconi anemia complementation group D1. Also called: BRCA2-Related Fanconi Anemia. Identifiers: Orphanet 319462, MedGen C1838457, MONDO:0011584, OMIM 605724.
Familial cancer of breast. Also called: BREAST CANCER, FAMILIAL; Hereditary breast cancer; hereditary breast carcinoma. Identifiers: Orphanet 227535, MedGen C0346153, MONDO:0016419, OMIM 114480. Disease mechanism: loss of function.
Glioma susceptibility 3 (GLM3). Also called: Glioblastoma 3. Identifiers: Orphanet 182067, Orphanet 360, MedGen C2751641, MONDO:0013093, OMIM 613029.
Pancreatic cancer, susceptibility to, 2. Identifiers: Orphanet 1333, MedGen C3150546, MONDO:0013235, OMIM 613347.
Wilms tumor 1 (WT1). Also called: Wilms tumor, somatic. Identifiers: Orphanet 654, MedGen CN033288, MONDO:0008679, OMIM 194070.
Prostate cancer. Also called: Malignant tumor of prostate. Identifiers: Orphanet 1331, MedGen C0376358, MONDO:0008315, HP:0012125.
Medulloblastoma (MDB). Also called: MEDULLOBLASTOMA PREDISPOSITION SYNDROME; Medulloblastoma, somatic. Identifiers: Orphanet 616, MedGen C0025149, MeSH D008527, MONDO:0007959, OMIM 155255, HP:0002885.
Breast-ovarian cancer, familial, susceptibility to, 2 (BROVCA2). Also called: BRCA2 Hereditary Breast and Ovarian Cancer. Identifiers: Orphanet 145, MedGen C2675520, MONDO:0012933, OMIM 612555. Disease mechanism: loss of function.
Hereditary cancer-predisposing syndrome. Also called: Neoplastic Syndromes, Hereditary; Tumor predisposition; Hereditary Cancer Syndrome; Hereditary neoplastic syndrome. Identifiers: Orphanet 140162, MedGen C0027672, MeSH D009386, MONDO:0015356.
Hereditary breast ovarian cancer syndrome. Also called: Hereditary breast and ovarian cancer; Breast and ovarian cancer; Hereditary breast and/or ovarian cancer syndrome; Hereditary breast and ovarian cancer syndrome (HBOC); Hereditary breast and ovarian cancer syndrome; BRCA1- and BRCA2-Associated Hereditary Breast and Ovarian Cancer. Identifiers: Orphanet 145, MedGen C0677776, MeSH D061325, MONDO:0003582. Disease mechanism: loss of function.
Malignant tumor of breast. Also called: Malignant breast neoplasm; Cancer breast. Identifiers: MedGen C0006142, MONDO:0007254. Disease mechanism: loss of function.

Submissions 1 to 8 of 41:

Evidence-based Network for the Interpretation of Germline Mutant Alleles (ENIGMA)
Classification: Pathogenic for Breast-ovarian cancer, familial, susceptibility to, 2. Last evaluated: 2016-09-08. Review status: reviewed by expert panel. Criteria: ENIGMA BRCA1/2 Classification Criteria (2015). Collection method: curation. Allele origin: germline.
Comment: Variant allele predicted to encode a truncated non-functional protein.

PreventionGenetics, part of Exact Sciences
Classification: Pathogenic for BRCA2-related condition. Last evaluated: 2026-06-22. Review status: criteria provided, single submitter. Criteria: ACMG Guidelines, 2015. Collection method: clinical testing. Allele origin: germline. Not counted in ClinVar's aggregate classification.
Comment: The BRCA2 c.4284dupT variant is predicted to result in a frameshift and premature protein termination (p.Gln1429Serfs*9). This variant, also described as 4510insT and 4512dupT, has been reported in multiple individuals with personal and/or family history of cancer consistent with hereditary breast, ovarian, pancreatic, and prostate cancer syndrome (HBOPP) (for example, see Risch et al. 2001. PubMed ID: 11179017; Tea et al. 2013. PubMed ID: 24156927; Santonocito et al. 2020. PubMed ID: 32438681; Hartman et al. 2020. PubMed ID: 32782288). This variant is reported in 0.00090% of alleles in individuals of European (Non-Finnish) descent in gnomAD and is classified as pathogenic by multiple institutions in ClinVar (Variation ID: 37892). Frameshift variants in BRCA2 are expected to be pathogenic. This variant is interpreted as pathogenic.

Center for Genomic Medicine, Rigshospitalet, Copenhagen University Hospital
Classification: Pathogenic. Last evaluated: 2025-12-29. Review status: criteria provided, single submitter. Criteria: ACMG Guidelines, 2015. Collection method: clinical testing. Allele origin: germline. Not counted in ClinVar's aggregate classification.
Comment: Classification criteria: PVS1, PMS1_Strong

Dasa
Classification: Pathogenic for Breast-ovarian cancer, familial, susceptibility to, 2. Last evaluated: 2025-12-04. Review status: criteria provided, single submitter. Criteria: DASA Assertion Criteria. Collection method: clinical testing. Allele origin: germline. Not counted in ClinVar's aggregate classification.
Comment: NM_000059.4(BRCA2):c.4284dup (p.Gln1429SerfsTer9) is a frameshift variant in BRCA2 predicted to alter the reading frame and introduce a premature termination codon and is predicted to result in an absent or altered protein product. Loss of function is an established disease mechanism for BRCA2 (PMID: 16199546; PMID: 17063271; PMID: 25632310). The affected residue or protein region has prior evidence supporting clinical relevance. This variant has been reported in individuals with Breast-ovarian cancer, familial, susceptibility to, 2. Also, this variant is rare in population databases. Based on the currently available evidence, this variant is classified as pathogenic.

Labcorp Genetics (formerly Invitae), Labcorp
Classification: Pathogenic for Hereditary breast ovarian cancer syndrome. Last evaluated: 2025-11-13. Review status: criteria provided, single submitter. Criteria: Invitae Variant Classification Sherloc (09022015). Collection method: clinical testing. Allele origin: germline. Not counted in ClinVar's aggregate classification.
Comment: This sequence change creates a premature translational stop signal (p.Gln1429Serfs*9) in the BRCA2 gene. It is expected to result in an absent or disrupted protein product. Loss-of-function variants in BRCA2 are known to be pathogenic (PMID: 20104584). This variant is present in population databases (rs80359439, gnomAD 0.007%). This premature translational stop signal has been observed in individual(s) with breast and ovarian cancer (PMID: 11179017, 20373018, 22085629, 24156927, 24728189). This variant is also known as 4510insT and 4512insT. ClinVar contains an entry for this variant (Variation ID: 37892). For these reasons, this variant has been classified as Pathogenic.

Genetics Laboratory, Great Ormond Street Hospital NHS Foundation Trust, North Thames Genomic Laboratory Hub
Classification: Pathogenic for Inherited prostate cancer. Last evaluated: 2025-08-19. Review status: criteria provided, single submitter. Criteria: CanVIG BRCA Gene Specific V1.22. Collection method: clinical testing. Allele origin: germline. Affected: yes. Not counted in ClinVar's aggregate classification.
Comment: PS4_strong, PM2_supporting, PVS1_very-strong, PM5_strong

Genetics Laboratory, Great Ormond Street Hospital NHS Foundation Trust, North Thames Genomic Laboratory Hub
Classification: Pathogenic for Inherited ovarian cancer (without breast cancer). Last evaluated: 2025-08-19. Review status: criteria provided, single submitter. Criteria: CanVIG BRCA Gene Specific V1.22. Collection method: clinical testing. Allele origin: germline. Affected: yes. Not counted in ClinVar's aggregate classification.
Comment: the same text as in the submission from Genetics Laboratory, Great Ormond Street Hospital NHS Foundation Trust, North Thames Genomic Laboratory Hub above.

Variantyx, Inc.
Classification: Pathogenic for Breast-ovarian cancer, familial, susceptibility to, 2. Last evaluated: 2025-07-08. Review status: criteria provided, single submitter. Criteria: Variantyx Assertion Criteria 2022. Collection method: clinical testing. Allele origin: germline. Inheritance: Autosomal dominant inheritance. Affected: yes. Not counted in ClinVar's aggregate classification.
Comment: This is a frameshift variant in the BRCA2 gene (OMIM: 600185). Pathogenic variants in this gene have been associated with autosomal dominant susceptibility to familial breast-ovarian cancer 2. This variant introduces a premature termination codon in exon 11 out of 27and is expected to result in loss of function, which is a known disease mechanism for BRCA2 in this disorder (PMID: 20301425) (PVS1). It has been reported in several unrelated affected individuals (PMID: 20373018, 20373018, 22085629, 38630906, 37563628) and has a 0.0030% maximum allele frequency in non-founder control populations. Other reputable laboratories have reported this variant as pathogenic or likely pathogenic, and this classification has been validated by an expert panel in ClinVar. Based on the current evidence, this variant is classified as pathogenic for autosomal dominant susceptibility to familial breast-ovarian cancer.